The following is an entry in ClinVar:

ClinVar aggregate classification (germline): Likely pathogenic (1 of 4 stars; one submission).

Conditions:
Dilated cardiomyopathy 1G (CMD1G). Identifiers: Orphanet 154, MedGen C1858763, MONDO:0011400, OMIM 604145.
Autosomal recessive limb-girdle muscular dystrophy type 2J (LGMDR10). Also called: Limb-girdle muscular dystrophy, type 2J; MUSCULAR DYSTROPHY, LIMB-GIRDLE, AUTOSOMAL RECESSIVE 10. Identifiers: Orphanet 140922, MedGen C1837342, MONDO:0012127, OMIM 608807.

Submission:

Labcorp Genetics (formerly Invitae), Labcorp
Classification: Likely pathogenic for Dilated cardiomyopathy 1G; Autosomal recessive limb-girdle muscular dystrophy type 2J. Last evaluated: 2022-12-08. Review status: criteria provided, single submitter. Criteria: Invitae Variant Classification Sherloc (09022015). Collection method: clinical testing. Allele origin: germline.
Comment: In summary, the currently available evidence indicates that the variant is pathogenic, but additional data are needed to prove that conclusively. Therefore, this variant has been classified as Likely Pathogenic. This variant is located in the A band of TTN (PMID: 25589632). Truncating variants in this region are significantly overrepresented in patients affected with dilated cardiomyopathy (PMID: 25589632). Truncating variants in this region have also been reported in individuals affected with autosomal recessive centronuclear myopathy (PMID: 23975875). ClinVar contains an entry for this variant (Variation ID: 1067595). This premature translational stop signal has been observed in individual(s) with clinical features of dilated cardiomyopathy (Invitae). This variant is not present in population databases (gnomAD no frequency). This sequence change creates a premature translational stop signal (p.Gly28680Trpfs*15) in the TTN gene. While this is not anticipated to result in nonsense mediated decay, it is expected to create a truncated TTN protein.

Literature cited by the submitters: PubMed 25589632; PubMed 23975875.

NM_001267550.2(TTN):c.86036dup (p.Gly28680fs)

Genes: TTN-AS1 (TTN antisense RNA 1; plus strand), TTN (titin; minus strand). Cytogenetic location: 2q31.2.
Variant type: Duplication.
Coding change: c.86036dup on transcript NM_001267550.2 (MANE Select); coding-DNA position 86036, one base duplicated (G; older notation c.86036dupG).
Protein change: p.Gly28680fs; shifts the reading frame from glycine 28680.
Molecular consequence: frameshift variant.
Genome position (GRCh38, 1-based): chr2:178,560,096, C duplicated on the plus strand (G on the coding strand, the reverse complement: TTN is on the minus strand); the first of 2 consecutive C bases (chr2:178,560,096-178,560,097); duplicating either gives the same sequence. VCF-style (leftmost placement, unchanged base first): chr2-178560095-A-AC. GRCh37 (hg19) VCF-style: chr2-179424822-A-AC.
Other names: c.81113dup, p.Gly27039fs (NM_001256850.1); c.58841dup, p.Gly19615fs (NM_003319.4); c.78332dup, p.Gly26112fs (NM_133378.4); c.59216dup, p.Gly19740fs (NM_133432.3); c.59417dup, p.Gly19807fs (NM_133437.4); short protein forms G19615fs, G19740fs, G19807fs, G26112fs, G27039fs, G28680fs.
Identifiers: ClinVar variation 1067595 (VCV001067595.9), dbSNP rs2154158408, ClinGen allele CA2499215338.